The following is an entry in ClinVar:

ClinVar aggregate classification (germline): Likely benign (0 of 4 stars; one submission).

Conditions:
APBA2-related disorder. Also called: APBA2-related condition.

Allele frequency attached by ClinVar (database versions not stated): gnomAD 0.00009; TOPMed 0.00011; gnomAD exomes 0.00013; ExAC 0.00029; 1000 Genomes Project 30x 0.00031; 1000 Genomes Project 0.00040.
gnomAD v4.1: 218 of 1,613,626 alleles (0.014%); highest among the groups gnomAD compares: South Asian, 0.11%; 1 homozygote.

Submission:

PreventionGenetics, part of Exact Sciences
Classification: Likely benign for APBA2-related condition. Last evaluated: 2019-04-03. Review status: no assertion criteria provided. Collection method: clinical testing. Allele origin: germline.
Comment: This variant is classified as likely benign based on ACMG/AMP sequence variant interpretation guidelines (Richards et al. 2015 PMID: 25741868, with internal and published modifications).

NM_001353788.2(APBA2):c.2112C>T (p.Asn704=)

Gene: APBA2 (amyloid beta precursor protein binding family A member 2; plus strand). Cytogenetic location: 15q13.1.
Variant type: single nucleotide variant.
Coding change: c.2112C>T on transcript NM_001353788.2 (MANE Select); coding-DNA position 2112, C replaced by T.
Protein change: p.Asn704=; no amino-acid change (asparagine 704 retained).
Molecular consequence: synonymous variant.
Genome position (GRCh38, 1-based): chr15:29,113,950, C>T. VCF-style: chr15-29113950-C-T. GRCh37 (hg19) VCF-style: chr15-29406153-C-T.
Other names: c.2076C>T, p.Asn692= (NM_001130414.1, NM_001353792.2, NM_001353793.2 and 1 more transcripts); c.2112C>T, p.Asn704= (NM_001353789.2, NM_001353790.2, NM_001353791.2 and 2 more transcripts); c.1224C>T, p.Asn408= (NM_001353796.2); c.1188C>T, p.Asn396= (NM_001353797.2).
Identifiers: ClinVar variation 3049085 (VCV003049085.2), dbSNP rs569262973, ClinGen allele CA7445716.